The following is an entry in ClinVar:

ClinVar aggregate classification (germline): Uncertain significance. Review status: criteria provided, multiple submitters, no conflicts (2 of 4 stars). 2 submissions from 2 submitters: Uncertain significance (2). Last evaluated 2024-02-02.

Conditions:
Aortic aneurysm, familial thoracic 4 (AAT4). Also called: AORTIC ANEURYSM/AORTIC DISSECTION AND PATENT DUCTUS ARTERIOSUS. Identifiers: MedGen C1851504, MONDO:0007568, OMIM 132900.

Submissions (2):

Blueprint Genetics
Classification: Uncertain significance. Last evaluated: 2024-02-02. Review status: criteria provided, single submitter. Criteria: ACMG Guidelines, 2015. Collection method: clinical testing. Allele origin: germline.

Labcorp Genetics (formerly Invitae), Labcorp
Classification: Uncertain significance for Aortic aneurysm, familial thoracic 4. Last evaluated: 2023-10-18. Review status: criteria provided, single submitter. Criteria: Invitae Variant Classification Sherloc (09022015). Collection method: clinical testing. Allele origin: germline.
Comment: This sequence change replaces cysteine, which is neutral and slightly polar, with serine, which is neutral and polar, at codon 754 of the MYH11 protein (p.Cys754Ser). This variant is not present in population databases (gnomAD no frequency). This variant has not been reported in the literature in individuals affected with MYH11-related conditions. Advanced modeling of protein sequence and biophysical properties (such as structural, functional, and spatial information, amino acid conservation, physicochemical variation, residue mobility, and thermodynamic stability) performed at Invitae indicates that this missense variant is not expected to disrupt MYH11 protein function. In summary, the available evidence is currently insufficient to determine the role of this variant in disease. Therefore, it has been classified as a Variant of Uncertain Significance.

NM_002474.3(MYH11):c.2240G>C (p.Cys747Ser)

Gene: MYH11 (myosin heavy chain 11; minus strand). Cytogenetic location: 16p13.11.
Variant type: single nucleotide variant.
Coding change: c.2240G>C on transcript NM_002474.3 (MANE Select); coding-DNA position 2240, G replaced by C.
Protein change: p.Cys747Ser; replaces cysteine 747 with serine.
Molecular consequence: missense variant.
Genome position (GRCh38, 1-based): chr16:15,747,884, C>G on the plus strand (G>C on the coding strand, the complement: MYH11 is on the minus strand). VCF-style: chr16-15747884-C-G. GRCh37 (hg19) VCF-style: chr16-15841741-C-G.
Other names: c.2261G>C, p.Cys754Ser (NM_001040113.2, NM_001040114.2); c.2240G>C, p.Cys747Ser (NM_022844.3); short protein forms C747S, C754S.
Identifiers: ClinVar variation 2776441 (VCV002776441.4), dbSNP rs2506270028, ClinGen allele CA394867665.
Genomic context (GRCh38, chr16:15,747,884, plus strand): 5'-GTGGCTTGCGGCCAGAGGTTGGGAGGTCTCTGGTGGACTTCTGGGCTCACCATGAGAATG[C>G]AGGCCTGCTTCCCGTCCATGAAGCCTTTGGGGATGGCATTCGCCGCCAGGATCTCGTAGC-3'
Protein context (NP_002465.1, residues 737-757): PKGFMDGKQA[Cys747Ser]ILMIKALELD